The following is an entry in ClinVar:

NM_001083116.3(PRF1):c.439G>A (p.Val147Met)

Gene: PRF1 (perforin 1; minus strand). Cytogenetic location: 10q22.1.
Variant type: single nucleotide variant.
Coding change: c.439G>A on transcript NM_001083116.3 (MANE Select); coding-DNA position 439, G replaced by A.
Protein change: p.Val147Met; replaces valine 147 with methionine.
Molecular consequence: missense variant.
Genome position (GRCh38, 1-based): chr10:70,600,464, C>T on the plus strand (G>A on the coding strand, the complement: PRF1 is on the minus strand). VCF-style: chr10-70600464-C-T. GRCh37 (hg19) VCF-style: chr10-72360220-C-T.
Other names: p.Val147Met; c.439G>A, p.Val147Met (NM_005041.6); short protein forms V147M.
Identifiers: ClinVar variation 3379968 (VCV003379968.1).

ClinVar aggregate classification (germline): Uncertain significance (1 of 4 stars; one submission).

Submission:

Mayo Clinic Laboratories, Mayo Clinic
Classification: Uncertain significance. Last evaluated: 2024-08-12. Review status: criteria provided, single submitter. Criteria: ACMG Guidelines, 2015. Collection method: clinical testing. Allele origin: germline. Observed: 1 variant allele.
Comment: BP4, PM2